The following is an entry in ClinVar:

ClinVar aggregate classification (germline): Uncertain significance. Review status: criteria provided, multiple submitters, no conflicts (2 of 4 stars). 2 submissions from 2 submitters: Uncertain significance (2). Last evaluated 2023-03-03.

Conditions:
Hereditary cancer-predisposing syndrome. Also called: Hereditary neoplastic syndrome; Tumor predisposition; Neoplastic Syndromes, Hereditary; Hereditary Cancer Syndrome. Identifiers: Orphanet 140162, MedGen C0027672, MeSH D009386, MONDO:0015356.
Rhabdoid tumor predisposition syndrome 2 (RTPS2). Identifiers: Orphanet 231108, Orphanet 69077, MedGen C2750074, MONDO:0013224, OMIM 613325.

Submissions (2):

Ambry Genetics
Classification: Uncertain significance for Hereditary cancer-predisposing syndrome. Last evaluated: 2023-03-03. Review status: criteria provided, single submitter. Criteria: Ambry Variant Classification Scheme 2023. Collection method: clinical testing. Allele origin: germline.
Comment: The p.E286D variant (also known as c.858A>T), located in coding exon 4 of the SMARCA4 gene, results from an A to T substitution at nucleotide position 858. The glutamic acid at codon 286 is replaced by aspartic acid, an amino acid with highly similar properties. This amino acid position is highly conserved in available vertebrate species. In addition, the in silico prediction for this alteration is inconclusive. Missense and in-frame variants in SMARCA4 are known to cause neurodevelopmental disorders; however, such associations with rhabdoid tumor predisposition syndrome including small cell carcinoma of the ovary-hypercalcemic type (SCCOHT) are exceedingly rare (Kosho T et al. Am J Med Genet C Semin Med Genet. 2014 Sep;166C(3):262-75; Jelinic P et al. Nat Genet. 2014 May;46(5):424-6). Based on the supporting evidence, the association of this alteration with Coffin-Siris syndrome is unknown; however, the association of this alteration with rhabdoid tumor predisposition syndrome is unlikely.

Labcorp Genetics (formerly Invitae), Labcorp
Classification: Uncertain significance for Rhabdoid tumor predisposition syndrome 2. Last evaluated: 2021-08-28. Review status: criteria provided, single submitter. Criteria: Invitae Variant Classification Sherloc (09022015). Collection method: clinical testing. Allele origin: germline.
Comment: This sequence change replaces glutamic acid with aspartic acid at codon 286 of the SMARCA4 protein (p.Glu286Asp). The glutamic acid residue is highly conserved and there is a small physicochemical difference between glutamic acid and aspartic acid. Algorithms developed to predict the effect of missense changes on protein structure and function are either unavailable or do not agree on the potential impact of this missense change (SIFT: "Deleterious"; PolyPhen-2: "Benign"; Align-GVGD: "Class C35"). In summary, the available evidence is currently insufficient to determine the role of this variant in disease. Therefore, it has been classified as a Variant of Uncertain Significance. This variant has not been reported in the literature in individuals affected with SMARCA4-related conditions. This variant is not present in population databases (ExAC no frequency).

NM_003072.5(SMARCA4):c.858A>T (p.Glu286Asp)

Gene: SMARCA4 (SWI/SNF related BAF chromatin remodeling complex subunit ATPase 4; plus strand). Cytogenetic location: 19p13.2.
Variant type: single nucleotide variant.
Coding change: c.858A>T on transcript NM_003072.5 (MANE Select); coding-DNA position 858, A replaced by T.
Protein change: p.Glu286Asp; replaces glutamic acid 286 with aspartic acid.
Molecular consequence: missense variant. On other transcripts: non-coding transcript variant (1).
Genome position (GRCh38, 1-based): chr19:10,987,002, A>T. VCF-style: chr19-10987002-A-T. GRCh37 (hg19) VCF-style: chr19-11097678-A-T.
Other names: c.858A>T, p.Glu286Asp (NM_001128844.3, NM_001128845.2, NM_001128846.2 and 5 more transcripts); short protein forms E286D.
Identifiers: ClinVar variation 1349583 (VCV001349583.8), dbSNP rs2145798320, ClinGen allele CA404058194.